The following is an entry in ClinVar:

NM_006231.4(POLE):c.1142T>A (p.Leu381Gln)

Gene: POLE (DNA polymerase epsilon, catalytic subunit; minus strand). Cytogenetic location: 12q24.33.
Variant type: single nucleotide variant.
Coding change: c.1142T>A on transcript NM_006231.4 (MANE Select); coding-DNA position 1142, T replaced by A.
Protein change: p.Leu381Gln; replaces leucine 381 with glutamine.
Molecular consequence: missense variant.
Genome position (GRCh38, 1-based): chr12:132,675,482, A>T on the plus strand (T>A on the coding strand, the complement: POLE is on the minus strand). VCF-style: chr12-132675482-A-T. GRCh37 (hg19) VCF-style: chr12-133252068-A-T.
Other names: short protein forms L381Q.
Identifiers: ClinVar variation 2499962 (VCV002499962.5), dbSNP rs767448166, ClinGen allele CA6894058.
Genomic context (GRCh38, chr12:132,675,482, plus strand): 5'-TGGGGCGCCTTGTACTCCCCCTGGCTGTCCTTCTGGAAGCCTATCTCCTGCTGCATGCTC[A>T]GACCGTGGACTGCTGCCCGGGCCTCCACAAATGGCCTGGGTTGGAAAGAGGACAGACAAG-3'
Protein context (NP_006222.2, residues 371-391): FVEARAAVHG[Leu381Gln]SMQQEIGFQK

ClinVar aggregate classification (germline): Uncertain significance. Review status: criteria provided, multiple submitters, no conflicts (2 of 4 stars). 4 submissions from 4 submitters: Uncertain significance (4). Last evaluated 2025-05-11.

Conditions:
Colorectal cancer, susceptibility to, 12 (CRCS12). Also called: COLORECTAL CANCER, SUSCEPTIBILITY TO, ON CHROMOSOME 12q24. Identifiers: Orphanet 220460, MedGen C3554460, MONDO:0014038, OMIM 615083.
Hereditary cancer-predisposing syndrome. Also called: Neoplastic Syndromes, Hereditary; Hereditary neoplastic syndrome; Tumor predisposition; Hereditary Cancer Syndrome. Identifiers: Orphanet 140162, MedGen C0027672, MeSH D009386, MONDO:0015356.

Allele frequency attached by ClinVar (database versions not stated): gnomAD exomes 0.00001; ExAC 0.00002.
gnomAD v4.1: 6 of 1,614,148 alleles (0.00037%); highest among the groups gnomAD compares: South Asian, 0.0066%; no homozygotes.

Submissions (4):

Ambry Genetics
Classification: Uncertain significance for Hereditary cancer-predisposing syndrome. Last evaluated: 2025-05-11. Review status: criteria provided, single submitter. Criteria: Ambry Variant Classification Scheme 2023. Collection method: clinical testing. Allele origin: germline.
Comment: The p.L381Q variant (also known as c.1142T>A), located in coding exon 12 of the POLE gene, results from a T to A substitution at nucleotide position 1142. The leucine at codon 381 is replaced by glutamine, an amino acid with dissimilar properties. This amino acid position is conserved. In addition, this alteration is predicted to be tolerated by in silico analysis. Based on the available evidence, the clinical significance of this variant remains unclear.

Baylor Genetics
Classification: Uncertain significance for Colorectal cancer, susceptibility to, 12. Last evaluated: 2023-09-03. Review status: criteria provided, single submitter. Criteria: ACMG Guidelines, 2015. Collection method: clinical testing. Allele origin: unknown.

Neuberg Centre For Genomic Medicine, NCGM
Classification: Uncertain significance for Colorectal cancer, susceptibility to, 12. Last evaluated: 2023-05-20. Review status: criteria provided, single submitter. Criteria: ACMG Guidelines, 2015. Collection method: clinical testing. Allele origin: germline. Inheritance: Autosomal dominant inheritance. Affected: yes.
Comment: The missense c.1142T>A (p.Leu381Gln) variant in the POLE gene has not been reported previously as a pathogenic variant nor as a benign variant, to our knowledge. This variant is reported with the allele frequency (0.001%) in the gnomAD Exomes and novel in 1000 Genomes. The amino acid Leucine at position 381 is changed to a Glutamine changing protein sequence and it might alter its composition and physico-chemical properties. Multiple lines of computational evidence (Polyphen -Probably damaging/Benign, SIFT - Damaging and MutationTaster - Disease causing) predict a damaging effect on protein structure and function for this variant. The amino acid change p.Leu381Gln in POLE is predicted as conserved by GERP++ and PhyloP across 100 vertebrates. For these reasons, this variant has been classified as Uncertain Significance.

GeneDx
Classification: Uncertain significance. Last evaluated: 2023-04-18. Review status: criteria provided, single submitter. Criteria: GeneDx Variant Classification Process June 2021. Collection method: clinical testing. Allele origin: germline. Affected: yes.
Comment: Not observed at significant frequency in large population cohorts (gnomAD); In silico analysis supports that this missense variant has a deleterious effect on protein structure/function; Has not been previously published as pathogenic or benign to our knowledge; This variant is associated with the following publications: (PMID: 20951805)